The following is an entry in ClinVar:

NM_001100.4(ACTA1):c.757G>T (p.Gly253Cys)

Gene: ACTA1 (actin alpha 1, skeletal muscle; minus strand). Cytogenetic location: 1q42.13.
Variant type: single nucleotide variant.
Coding change: c.757G>T on transcript NM_001100.4 (MANE Select); coding-DNA position 757, G replaced by T.
Protein change: p.Gly253Cys; replaces glycine 253 with cysteine.
Molecular consequence: missense variant.
Genome position (GRCh38, 1-based): chr1:229,432,045, C>A on the plus strand (G>T on the coding strand, the complement: ACTA1 is on the minus strand). VCF-style: chr1-229432045-C-A. GRCh37 (hg19) VCF-style: chr1-229567792-C-A.
Other names: short protein forms G253C.
Identifiers: ClinVar variation 1052696 (VCV001052696.9), dbSNP rs2102735572, ClinGen allele CA345146649.

ClinVar aggregate classification (germline): Uncertain significance (1 of 4 stars; one submission).

Conditions:
Actin accumulation myopathy (CMYO2A). Also called: Nemaline myopathy type 3; Myopathy, actin, congenital, with excess of thin myofilaments; Myopathy, actin, congenital, with cores; Nemaline myopathy 3, with intranuclear rods; CONGENITAL MYOPATHY 2A, TYPICAL, AUTOSOMAL DOMINANT. Identifiers: Orphanet 98904, MedGen C3711389, MONDO:0008070, OMIM 161800.

Submission:

Labcorp Genetics (formerly Invitae), Labcorp
Classification: Uncertain significance for Actin accumulation myopathy. Last evaluated: 2018-02-22. Review status: criteria provided, single submitter. Criteria: Invitae Variant Classification Sherloc (09022015). Collection method: clinical testing. Allele origin: germline.
Comment: In summary, the available evidence is currently insufficient to determine the role of this variant in disease. Therefore, it has been classified as a Variant of Uncertain Significance. Algorithms developed to predict the effect of missense changes on protein structure and function do not agree on the potential impact of this missense change (SIFT: "Deleterious"; PolyPhen-2: "Probably Damaging"; Align-GVGD: "Class C0"). This variant has not been reported in the literature in individuals with ACTA1-related disease. This variant is not present in population databases (ExAC no frequency). This sequence change replaces glycine with cysteine at codon 253 of the ACTA1 protein (p.Gly253Cys). The glycine residue is highly conserved and there is a large physicochemical difference between glycine and cysteine. Other missense substitutions at this codon (p.Gly253Asp and p.Gly253Arg) have been reported in individuals affected with nemaline and distal myopathy (PMID: 12921789, 28606400).

Literature cited by the submitters: PubMed 12921789; PubMed 28606400.